The following is an entry in ClinVar:

NM_212482.4(FN1):c.577A>G (p.Thr193Ala)

Gene: FN1 (fibronectin 1; minus strand). Cytogenetic location: 2q35.
Variant type: single nucleotide variant.
Coding change: c.577A>G on transcript NM_212482.4 (MANE Select); coding-DNA position 577, A replaced by G.
Protein change: p.Thr193Ala; replaces threonine 193 with alanine.
Molecular consequence: missense variant.
Genome position (GRCh38, 1-based): chr2:215,430,823, T>C on the plus strand (A>G on the coding strand, the complement: FN1 is on the minus strand). VCF-style: chr2-215430823-T-C. GRCh37 (hg19) VCF-style: chr2-216295546-T-C.
Other names: c.577A>G, p.Thr193Ala (NM_001306129.2, NM_001306130.2, NM_001306131.2 and 14 more transcripts); short protein forms T193A.
Identifiers: ClinVar variation 4774981 (VCV004774981.1).

ClinVar aggregate classification (germline): Uncertain significance (1 of 4 stars; one submission).

gnomAD v4.1: 2 of 1,614,132 alleles (0.00012%); highest among the groups gnomAD compares: East Asian, 0.0045%; no homozygotes.

Submission:

Labcorp Genetics (formerly Invitae), Labcorp
Classification: Uncertain significance. Last evaluated: 2025-08-14. Review status: criteria provided, single submitter. Criteria: Invitae Variant Classification Sherloc (09022015). Collection method: clinical testing. Allele origin: germline.
Comment: This sequence change replaces threonine, which is neutral and polar, with alanine, which is neutral and non-polar, at codon 193 of the FN1 protein (p.Thr193Ala). This variant is present in population databases (rs771143403, gnomAD 0.01%). This variant has not been reported in the literature in individuals affected with FN1-related conditions. An algorithm developed to predict the effect of missense changes on protein structure and function (PolyPhen-2) suggests that this variant is likely to be disruptive. In summary, the available evidence is currently insufficient to determine the role of this variant in disease. Therefore, it has been classified as a Variant of Uncertain Significance.